The following is an entry in ClinVar:

ClinVar aggregate classification (germline): Uncertain significance (1 of 4 stars; one submission).

Conditions:
Jeune thoracic dystrophy. Also called: Short-rib thoracic dysplasia; Jeune syndrome; Infantile thoracic dystrophy; Thoracic pelvic phalangeal dystrophy; Jeune's syndrome; Chondroectodermal dysplasia-like syndrome. Identifiers: Orphanet 474, MedGen C0265275, MONDO:0018770.

Allele frequency attached by ClinVar (database versions not stated): gnomAD exomes below 0.00001; TOPMed below 0.00001; gnomAD 0.00001; ExAC 0.00003.
gnomAD v4.1: 2 of 1,573,632 alleles (0.00013%); highest among the groups gnomAD compares: African/African-American, 0.0014%; no homozygotes.

Submission:

Labcorp Genetics (formerly Invitae), Labcorp
Classification: Uncertain significance for Jeune thoracic dystrophy. Last evaluated: 2022-04-21. Review status: criteria provided, single submitter. Criteria: Invitae Variant Classification Sherloc (09022015). Collection method: clinical testing. Allele origin: germline.
Comment: This sequence change replaces serine, which is neutral and polar, with phenylalanine, which is neutral and non-polar, at codon 2128 of the DYNC2H1 protein (p.Ser2128Phe). This variant is present in population databases (rs769771518, gnomAD 0.004%). This variant has not been reported in the literature in individuals affected with DYNC2H1-related conditions. Advanced modeling of protein sequence and biophysical properties (such as structural, functional, and spatial information, amino acid conservation, physicochemical variation, residue mobility, and thermodynamic stability) performed at Invitae indicates that this missense variant is not expected to disrupt DYNC2H1 protein function. In summary, the available evidence is currently insufficient to determine the role of this variant in disease. Therefore, it has been classified as a Variant of Uncertain Significance.

NM_001377.3(DYNC2H1):c.6383C>T (p.Ser2128Phe)

Gene: DYNC2H1 (dynein cytoplasmic 2 heavy chain 1; plus strand). Cytogenetic location: 11q22.3.
Variant type: single nucleotide variant.
Coding change: c.6383C>T on transcript NM_001377.3 (MANE Select); coding-DNA position 6383, C replaced by T.
Protein change: p.Ser2128Phe; replaces serine 2128 with phenylalanine.
Molecular consequence: missense variant.
Genome position (GRCh38, 1-based): chr11:103,181,792, C>T. VCF-style: chr11-103181792-C-T. GRCh37 (hg19) VCF-style: chr11-103052521-C-T.
Other names: c.6383C>T, p.Ser2128Phe (NM_001080463.2); short protein forms S2128F.
Identifiers: ClinVar variation 2128921 (VCV002128921.4), dbSNP rs769771518, ClinGen allele CA6253964.